The following is an entry in ClinVar:

ClinVar aggregate classification (germline): Likely pathogenic (1 of 4 stars; one submission).

Conditions:
Autosomal recessive limb-girdle muscular dystrophy type 2A (LGMDR1). Also called: Limb-girdle muscular dystrophy, type 2A; LEYDEN-MOEBIUS MUSCULAR DYSTROPHY; MUSCULAR DYSTROPHY, PELVOFEMORAL; Muscular dystrophy, limb-girdle, type 2A, Amish; Calpainopathy. Identifiers: Orphanet 267, MedGen C1869123, MONDO:0009675, OMIM 253600. Disease mechanism: loss of function.

Submission:

Labcorp Genetics (formerly Invitae), Labcorp
Classification: Likely pathogenic for Autosomal recessive limb-girdle muscular dystrophy type 2A. Last evaluated: 2024-04-25. Review status: criteria provided, single submitter. Criteria: Invitae Variant Classification Sherloc (09022015). Collection method: clinical testing. Allele origin: germline.
Comment: This sequence change replaces phenylalanine, which is neutral and non-polar, with cysteine, which is neutral and slightly polar, at codon 191 of the CAPN3 protein (p.Phe191Cys). This variant is not present in population databases (gnomAD no frequency). This missense change has been observed in individual(s) with clinical features of autosomal recessive limb-girdle muscular dystrophy (Invitae). In at least one individual the data is consistent with being in trans (on the opposite chromosome) from a pathogenic variant. ClinVar contains an entry for this variant (Variation ID: 1493433). Advanced modeling of protein sequence and biophysical properties (such as structural, functional, and spatial information, amino acid conservation, physicochemical variation, residue mobility, and thermodynamic stability) performed at Invitae indicates that this missense variant is expected to disrupt CAPN3 protein function with a positive predictive value of 80%. In summary, the currently available evidence indicates that the variant is pathogenic, but additional data are needed to prove that conclusively. Therefore, this variant has been classified as Likely Pathogenic.

NM_000070.3(CAPN3):c.572T>G (p.Phe191Cys)

Gene: CAPN3 (calpain 3; plus strand). Cytogenetic location: 15q15.1.
Variant type: single nucleotide variant.
Coding change: c.572T>G on transcript NM_000070.3 (MANE Select); coding-DNA position 572, T replaced by G.
Protein change: p.Phe191Cys; replaces phenylalanine 191 with cysteine.
Molecular consequence: missense variant.
Genome position (GRCh38, 1-based): chr15:42,387,826, T>G. VCF-style: chr15-42387826-T-G. GRCh37 (hg19) VCF-style: chr15-42680024-T-G.
Other names: c.572T>G, p.Phe191Cys (NM_024344.2, NM_173087.2); short protein forms F191C.
Identifiers: ClinVar variation 1493433 (VCV001493433.6), dbSNP rs2141164830, ClinGen allele CA391997900.
Genomic context (GRCh38, chr15:42,387,826, plus strand): 5'-GAGAGTGGGTGGACGTGGTTATAGATGACTGCCTGCCAACGTACAACAATCAACTGGTTT[T>G]CACCAAGTCCAACCACCGCAATGAGTTCTGGAGTGCTCTGCTGGAGAAGGCTTATGCTAA-3'
Protein context (NP_000061.1, residues 181-201): CLPTYNNQLV[Phe191Cys]TKSNHRNEFW